The following is an entry in ClinVar:

NM_000095.3(COMP):c.1213G>A (p.Asp405Asn)

Gene: COMP (cartilage oligomeric matrix protein; minus strand). Cytogenetic location: 19p13.11.
Variant type: single nucleotide variant.
Coding change: c.1213G>A on transcript NM_000095.3 (MANE Select); coding-DNA position 1213, G replaced by A.
Protein change: p.Asp405Asn; replaces aspartic acid 405 with asparagine.
Molecular consequence: missense variant.
Genome position (GRCh38, 1-based): chr19:18,786,573, C>T on the plus strand (G>A on the coding strand, the complement: COMP is on the minus strand). VCF-style: chr19-18786573-C-T. GRCh37 (hg19) VCF-style: chr19-18897383-C-T.
Other names: short protein forms D405N.
Identifiers: ClinVar variation 3066342 (VCV003066342.1), dbSNP rs1380808151, ClinGen allele CA404886548.

ClinVar aggregate classification (germline): Uncertain significance (1 of 4 stars; one submission).

Conditions:
Multiple epiphyseal dysplasia type 1. Also called: COMP-Related Multiple Epiphyseal Dysplasia. Identifiers: Orphanet 93308, MedGen C1838280, MONDO:0007561, OMIM 132400.

Allele frequency attached by ClinVar (database versions not stated): gnomAD exomes 0.00001.

Submission:

MVZ Medizinische Genetik Mainz
Classification: Uncertain significance for Multiple epiphyseal dysplasia type 1. Last evaluated: 2023-08-02. Review status: criteria provided, single submitter. Criteria: UK Practice Guidelines For Variant Classification V4 01 2020. Collection method: clinical testing. Allele origin: germline. Inheritance: Autosomal dominant inheritance. Affected: yes. Observed: 1 variant allele.
Comment: ACMG Criteria: PM1,PP3_MOD,PM2_SUP